The following is an entry in ClinVar:

NM_000169.3(GLA):c.187T>G (p.Cys63Gly)

Genes: GLA (galactosidase alpha; minus strand), RPL36A-HNRNPH2 (RPL36A-HNRNPH2 readthrough; plus strand). Cytogenetic location: Xq22.1.
Variant type: single nucleotide variant.
Coding change: c.187T>G on transcript NM_000169.3 (MANE Select); coding-DNA position 187, T replaced by G.
Protein change: p.Cys63Gly; replaces cysteine 63 with glycine.
Molecular consequence: missense variant. On other transcripts: non-coding transcript variant (3), intron variant (2).
Genome position (GRCh38, 1-based): chrX:101,407,717, A>C on the plus strand (T>G on the coding strand, the complement: GLA is on the minus strand). VCF-style: chrX-101407717-A-C. GRCh37 (hg19) VCF-style: chrX-100662705-A-C.
Other names: c.187T>G, p.Cys63Gly (NM_001406747.1, NM_001406748.1, NM_001406749.1); c.301-4219A>C (NM_001199973.2); c.178-4219A>C (NM_001199974.2); short protein forms C63G.
Identifiers: ClinVar variation 4087294 (VCV004087294.2).

ClinVar aggregate classification (germline): Likely pathogenic (1 of 4 stars; one submission).

Conditions:
Fabry disease. Also called: ALPHA-GALACTOSIDASE A DEFICIENCY; ANDERSON-FABRY DISEASE; CERAMIDE TRIHEXOSIDASE DEFICIENCY; GLA DEFICIENCY; HEREDITARY DYSTOPIC LIPIDOSIS; Angiokeratoma corporis diffusum. Identifiers: Orphanet 324, MedGen C0002986, MONDO:0010526, OMIM 301500, HP:0001071. Disease mechanism: Fabry disease is due to inactivating mutations in the X-linked GLA gene resulting in deficiency of the enzyme Alpha Galactosidase-A., loss of function.

Submission:

Genomenon, Inc
Classification: Likely pathogenic for Fabry disease. Last evaluated: 2026-09-08. Review status: criteria provided, single submitter. Criteria: Genomenon Sequence Variant Interpretation Standards - Updated. Collection method: curation. Allele origin: germline. Affected: yes.
Comment: GLA p.Cys63Gly (c.187T>G) is a missense variant that changes the amino acid at codon 63 from Cysteine to Glycine. This variant has been observed in at least one proband with clinical features consistent with Fabry disease (PMID:27585509). Functional or patient cell studies have been reported (PMID:27585509). This variant is located in a mutational hotspot and/or important functional domain. It is absent or not present at a significant frequency in gnomAD. In silico models predict that this variant is possibly or probably damaging. In conclusion, we classify GLA p.Cys63Gly (c.187T>G) as a likely pathogenic variant.

Literature cited by the submitters: PubMed 27585509.